The following is an entry in ClinVar:

NM_006912.6(RIT1):c.246T>A (p.Phe82Leu)

Gene: RIT1 (Ras like without CAAX 1; minus strand). Cytogenetic location: 1q22.
Variant type: single nucleotide variant.
Coding change: c.246T>A on transcript NM_006912.6 (MANE Select); coding-DNA position 246, T replaced by A.
Protein change: p.Phe82Leu; replaces phenylalanine 82 with leucine.
Molecular consequence: missense variant.
Genome position (GRCh38, 1-based): chr1:155,904,494, A>T on the plus strand (T>A on the coding strand, the complement: RIT1 is on the minus strand). VCF-style: chr1-155904494-A-T. GRCh37 (hg19) VCF-style: chr1-155874285-A-T.
Other names: c.297T>A (NM_001256821.1); c.246T>A, p.Phe82Leu (LRG_1372t1); c.138T>A, p.Phe46Leu (NM_001256820.2); c.297T>A, p.Phe99Leu (NM_001256821.2); c.246T>A (NM_006912.4); short protein forms F82L, F99L, F46L.
Identifiers: ClinVar variation 370035 (VCV000370035.21), dbSNP rs730881014, ClinGen allele CA16040628.
Genomic context (GRCh38, chr1:155,904,494, plus strand): 5'-GATAGAGTAACAGATGATAAACCCTTCTCCTGCCCTCATATACTGGTCCCGCATGGCTGT[A>T]AACTCTGCCTAGAGGGAAACAAGGGTCATTATGTATTGACGCAATCTAGCCCAACTACAC-3'
Protein context (NP_008843.1, residues 72-92): DILDTAGQAE[Phe82Leu]TAMRDQYMRA

ClinVar aggregate classification (germline): Pathogenic. Review status: criteria provided, multiple submitters, no conflicts (2 of 4 stars). 9 submissions from 9 submitters: Pathogenic (8). 1 of the submissions does not count toward it. Last evaluated 2026-04-01.

Conditions:
Noonan syndrome 1 (NS1). Also called: TURNER PHENOTYPE WITH NORMAL KARYOTYPE; PTPN11-Related Noonan Syndrome; FEMALE PSEUDO-TURNER SYNDROME. Identifiers: Orphanet 648, MedGen C4551602, MONDO:0008104, OMIM 163950. Disease mechanism: gain of function.
RIT1-related disorder. Also called: RIT1-related condition.
Cardiovascular phenotype. Identifiers: MedGen CN230736.
Noonan syndrome 8 (NS8). Identifiers: Orphanet 648, MedGen C3809233, MONDO:0014143, OMIM 615355.
Noonan syndrome (NS). Also called: Noonan's syndrome. Identifiers: Orphanet 648, MedGen C0028326, MeSH D009634, MONDO:0018997. Disease mechanism: gain of function.

Allele frequency attached by ClinVar (database versions not stated): gnomAD exomes below 0.00001.
gnomAD v4.1: 1 of 1,612,548 alleles (0.000062%); highest among the groups gnomAD compares: Non-Finnish European, 0.000085%; no homozygotes.

Submissions (9):

CeGaT Center for Human Genetics Tuebingen
Classification: Pathogenic. Last evaluated: 2026-04-01. Review status: criteria provided, single submitter. Criteria: CeGaT Center For Human Genetics Tuebingen Variant Classification Criteria Version 2. Collection method: clinical testing. Allele origin: germline. Affected: yes. Observed: 1 variant allele.
Comment: RIT1: PS1, PM2, PS4:Moderate, PP3, PS2:Supporting

Women's Health and Genetics/Laboratory Corporation of America, LabCorp
Classification: Pathogenic for Noonan syndrome. Last evaluated: 2026-01-12. Review status: criteria provided, single submitter. Criteria: LabCorp Variant Classification Summary - May 2015. Collection method: clinical testing. Allele origin: germline.
Comment: Variant summary: RIT1 c.246T>A (p.Phe82Leu) results in a non-conservative amino acid change in the encoded protein sequence. Algorithms developed to predict the effect of missense changes on protein structure and function all suggest that this variant is likely to be disruptive. The frequency data for this variant in gnomAD is considered unreliable, as metrics indicate poor data quality at this position. c.246T>A has been observed de novo in at least 1 individual(s) affected with Noonan syndrome (example, Liu_2020). A different variant resulting in the same amino acid consequence has been classified as likely pathogenic/pathogenic by our lab (c.244T>C, p.Phe82Leu), supporting the pathogenicity of this variant. The following publication has been ascertained in the context of this evaluation (PMID: 33190430). ClinVar contains an entry for this variant (Variation ID: 370035). Based on the evidence outlined above, the variant was classified as pathogenic.

PreventionGenetics, part of Exact Sciences
Classification: Pathogenic for RIT1-related condition. Last evaluated: 2025-09-26. Review status: criteria provided, single submitter. Criteria: ACMG Guidelines, 2015. Collection method: clinical testing. Allele origin: germline.
Comment: The RIT1 c.297T>A variant is predicted to result in the amino acid substitution p.Phe99Leu. This variant is also referred to as c.246T>A (p.Phe82Leu) using an alternative transcript (NM_006912.6). This variant has been reported to occur de novo in an individual with Noonan syndrome along with systemic lymphatic hyperplasia and dysfunction (Liu and Gao. 2020. PubMed ID: 33190430). This variant has also been reported in a fetus with Noonan syndrome presenting with hydrops, ascites, and hydrothorax (Janicki et al. 2023. PubMed ID: 36900003). Two other variants resulting in the same amino acid change (p.Phe99Leu) and other missense variants at this codon (p.Phe99Ile, p.Phe99Val, p.Phe99Ser, and p.Phe99Cys), including de novo cases, have been reported in individuals with Noonan syndrome including features of sporadic malignancies and heart defects (Aoki et al. 2013. PubMed ID: 23791108; Cavé et al. 2016. PubMed ID: 26757980; Kouz et al. 2016. PubMed ID: 27101134; Yates et al. 2017. PubMed ID: 28425981). Functional studies showed that the p.Phe99Leu substitution leads to increased protein activity and cellular transformation (Aoki et al. 2013. PubMed ID: 23791108; Berger et al. 2014. PubMed ID: 24469055). Taken together, we interpret this variant as pathogenic.

GeneDx
Classification: Pathogenic. Last evaluated: 2025-01-24. Review status: criteria provided, single submitter. Criteria: GeneDx Variant Classification Process June 2021. Collection method: clinical testing. Allele origin: germline. Affected: yes.
Comment: Published in vitro studies demonstrate that variant induces elevated and prolonged phosporylation of downstream targets and strongly enhances protein-proteins interactions, consistent with a gain-of-function effect (PMID: 29734338); Not observed at significant frequency in large population cohorts (gnomAD); In silico analysis supports that this missense variant has a deleterious effect on protein structure/function; Reported in ClinVar as pathogenic (ClinVar Variant ID #370035; ClinVar); This variant is associated with the following publications: (PMID: 35595454, 38131139, 23765226, 29734338, 33190430, 26714497, 36900003)

Labcorp Genetics (formerly Invitae), Labcorp
Classification: Pathogenic for Noonan syndrome 8. Last evaluated: 2024-10-30. Review status: criteria provided, single submitter. Criteria: Invitae Variant Classification Sherloc (09022015). Collection method: clinical testing. Allele origin: germline.
Comment: This sequence change replaces phenylalanine, which is neutral and non-polar, with leucine, which is neutral and non-polar, at codon 82 of the RIT1 protein (p.Phe82Leu). This variant is not present in population databases (gnomAD no frequency). This missense change has been observed in individuals with Noonan syndrome (PMID: 23791108, 25124994, 26242988, 26714497, 26757980, 27101134). ClinVar contains an entry for this variant (Variation ID: 370035). Invitae Evidence Modeling of protein sequence and biophysical properties (such as structural, functional, and spatial information, amino acid conservation, physicochemical variation, residue mobility, and thermodynamic stability) indicates that this missense variant is expected to disrupt RIT1 protein function with a positive predictive value of 95%. Experimental studies have shown that this missense change affects RIT1 function (PMID: 23791108, 24469055). This variant disrupts the p.Phe82 amino acid residue in RIT1. Other variant(s) that disrupt this residue have been determined to be pathogenic (PMID: 23791108, 25049390, 26757980). This suggests that this residue is clinically significant, and that variants that disrupt this residue are likely to be disease-causing. For these reasons, this variant has been classified as Pathogenic.

Ambry Genetics
Classification: Pathogenic for Cardiovascular phenotype. Last evaluated: 2023-06-27. Review status: criteria provided, single submitter. Criteria: Ambry Variant Classification Scheme 2023. Collection method: clinical testing. Allele origin: germline.
Comment: The p.F82L pathogenic mutation (also known as c.246T>A), located in coding exon 4 of the RIT1 gene, results from a T to A substitution at nucleotide position 246. The phenylalanine at codon 82 is replaced by leucine, an amino acid with highly similar properties. This variant, and other nucleotide substitutions resulting in the same amino acid change (e.g., p.F82L, c.246T>G and p.F82L, c.244T>C), have been detected in multiple unrelated individuals reported to have Noonan syndrome (NS) or features consistent with NS, including several de novo occurrences (Aoki Y et al. Am J Hum Genet, 2013 Jul;93:173-80; Bertola DR et al. Am J Med Genet A, 2014 Nov;164A:2952-7; Cav&eacute; H et al. Eur J Hum Genet, 2016 Aug;24:1124-31; Joyce S et al. Eur J Hum Genet, 2016 May;24:690-6; Kouz K et al. Genet Med, 2016 Dec;18:1226-1234; Yaoita M et al. Hum Genet, 2016 Feb;135:209-22; Liu NF et al. Lymphology, 2020;53:76-80). In vitro studies have indicated that this variant impacts protein function in a manner consistent with gain-of-function (Aoki Y et al. Am J Hum Genet, 2013 Jul;93:173-80; Meyer Zum B&uuml;schenfelde U et al. PLoS Genet, 2018 May;14:e1007370; Berger AH et al. Oncogene, 2022 May;41:2788). This variant is considered to be rare based on population cohorts in the Genome Aggregation Database (gnomAD). This amino acid position is highly conserved in available vertebrate species. In addition, this alteration is predicted to be deleterious by in silico analysis. Based on the supporting evidence, this alteration is interpreted as a disease-causing mutation.

Genome-Nilou Lab
Classification: Pathogenic for Noonan syndrome 8. Last evaluated: 2023-04-11. Review status: criteria provided, single submitter. Criteria: ACMG Guidelines, 2015. Collection method: clinical testing. Allele origin: germline. Affected: no.

Institute for Genomic Statistics and Bioinformatics, University Hospital Bonn
Classification: Pathogenic for Noonan syndrome 1. Review status: criteria provided, single submitter. Criteria: ACMG Guidelines, 2015. Collection method: clinical testing. Allele origin: unknown. Affected: yes. Observed: 1 variant allele.

MVZ Praenatalmedizin und Genetik Nuernberg
Classification: Pathogenic for Noonan syndrome 8. Last evaluated: 2016-12-01. Review status: no assertion criteria provided. Collection method: clinical testing. Allele origin: unknown. Inheritance: Autosomal dominant inheritance. Affected: yes. Observed: 1 variant allele, 1 heterozygote. Not counted in ClinVar's aggregate classification.
Comment: wobble base substitution results in an already described pathogenic aminoacid substitution (rs730881014; Aoki et al., 2013) and was therefore rated pathogenic here.

Literature cited by the submitters: PubMed 33190430 (cited by Women's Health and Genetics/Laboratory Corporation of America, LabCorp and Ambry Genetics); PubMed 23791108 (cited by Labcorp Genetics (formerly Invitae), Labcorp and Ambry Genetics); PubMed 25124994 (cited by Labcorp Genetics (formerly Invitae), Labcorp and Ambry Genetics); PubMed 26242988 (cited by Labcorp Genetics (formerly Invitae), Labcorp and Ambry Genetics); PubMed 26714497 (cited by Labcorp Genetics (formerly Invitae), Labcorp and Ambry Genetics); PubMed 26757980 (cited by Labcorp Genetics (formerly Invitae), Labcorp and Ambry Genetics); PubMed 27101134 (cited by Labcorp Genetics (formerly Invitae), Labcorp and Ambry Genetics); PubMed 24469055 (cited by Labcorp Genetics (formerly Invitae), Labcorp); PubMed 25049390 (cited by Labcorp Genetics (formerly Invitae), Labcorp); PubMed 24803665 (cited by Ambry Genetics); PubMed 27699752 (cited by Ambry Genetics); PubMed 29734338 (cited by Ambry Genetics); PubMed 30266093 (cited by Ambry Genetics); PubMed 31355538 (cited by Ambry Genetics); PubMed 34358384 (cited by Ambry Genetics); PubMed 35418694 (cited by Ambry Genetics); PubMed 36274670 (cited by Ambry Genetics).